The following is an entry in ClinVar:

ClinVar aggregate classification (germline): Likely pathogenic (1 of 4 stars; one submission).

Conditions:
Autosomal recessive spinocerebellar ataxia 15. Also called: SALIH ATAXIA. Identifiers: Orphanet 404499, MedGen C3810326, MONDO:0014311, OMIM 615705.

Submission:

Diagnostics Services (NGS), CSIR - Centre For Cellular And Molecular Biology
Classification: Likely pathogenic for Autosomal recessive spinocerebellar ataxia 15. Last evaluated: 2023-05-25. Review status: criteria provided, single submitter. Criteria: ACMG Guidelines, 2015. Collection method: clinical testing. Allele origin: germline. Affected: yes. Observed: 1 variant allele, 1 homozygote.
Comment: The c.1847+2T>G variant is not present in publicly available population databases like 1000 Genomes, ExAC, EVS, gnomAD, Indian Exome Database or our in-house exome database. The variant has neither been published in literature nor reported to clinical databases like in ClinVar, Human Gene Mutation Database (HGMD) or OMIM, in any affected individuals. In silico pathogenicity prediction programs like Human Splicing Finder v3.1 (HSF3.1), MutationTaster2, CADD, Varsome, Franklin etc predicted this variant to be likely deleterious by affecting mRNA splicing, however these predictions were not confirmed by any published functional/transcriptional studies.

NM_014687.4(RUBCN):c.1847+2T>G

Gene: RUBCN (rubicon autophagy regulator; minus strand). Cytogenetic location: 3q29.
Variant type: single nucleotide variant.
Coding change: c.1847+2T>G on transcript NM_014687.4 (MANE Select); the canonical splice donor site of the intron after coding-DNA position 1847, T replaced by G.
Molecular consequence: splice donor variant.
Genome position (GRCh38, 1-based): chr3:197,684,155, A>C on the plus strand (T>G on the coding strand, the complement: RUBCN is on the minus strand). VCF-style: chr3-197684155-A-C. GRCh37 (hg19) VCF-style: chr3-197411026-A-C.
Other names: c.1712+2T>G (NM_001145642.5); c.1964+2T>G (NM_001346873.2).
Identifiers: ClinVar variation 2505356 (VCV002505356.2), dbSNP rs2474191525, ClinGen allele CA355667790.